The following is an entry in ClinVar:

NM_001048174.2(MUTYH):c.461G>C (p.Arg154Pro)

Gene: MUTYH (mutY DNA glycosylase; minus strand). Cytogenetic location: 1p34.1.
Variant type: single nucleotide variant.
Coding change: c.461G>C on transcript NM_001048174.2 (MANE Select); coding-DNA position 461, G replaced by C.
Protein change: p.Arg154Pro; replaces arginine 154 with proline.
Molecular consequence: missense variant. On other transcripts: non-coding transcript variant (2).
Genome position (GRCh38, 1-based): chr1:45,332,794, C>G on the plus strand (G>C on the coding strand, the complement: MUTYH is on the minus strand). VCF-style: chr1-45332794-C-G. GRCh37 (hg19) VCF-style: chr1-45798466-C-G.
Other names: c.461G>C, p.Arg154Pro (NM_001048171.2, NM_001048173.2, NM_001293195.2); c.464G>C, p.Arg155Pro (NM_001048172.2); c.545G>C, p.Arg182Pro (NM_001128425.2); c.506G>C, p.Arg169Pro (NM_001293190.2); c.494G>C, p.Arg165Pro (NM_001293191.2); c.185G>C, p.Arg62Pro (NM_001293192.2, NM_001293196.2); c.116G>C, p.Arg39Pro (NM_001350650.2, NM_001350651.2); c.536G>C, p.Arg179Pro (NM_012222.3); short protein forms R39P, R155P, R154P, R169P, R182P, R62P, R165P, R179P.
Identifiers: ClinVar variation 651962 (VCV000651962.23), dbSNP rs143353451, ClinGen allele CA340135670.
Genomic context (GRCh38, chr1:45,332,794, plus strand): 5'-GGGTTCCTACCCTCCTGCCATCCCCTTACCTTCCGAGCTCCCTCCTGCAGCCGCCGGCCA[C>G]GAGAATAGTAGCCCAGGCCAGCCCAGAGTTGATTCACCTCCTGTGGGTAGGATCAGAGGT-3'
Protein context (NP_001041639.1, residues 144-164): QLWAGLGYYS[Arg154Pro]GRRLQEGARK

ClinVar aggregate classification (germline): Conflicting classifications of pathogenicity. Review status: criteria provided, conflicting classifications (1 of 4 stars). 4 submissions from 4 submitters: Pathogenic (1); Uncertain significance (3). Last evaluated 2026-04-02.

Conditions:
Hereditary cancer-predisposing syndrome. Also called: Tumor predisposition; Hereditary Cancer Syndrome; Neoplastic Syndromes, Hereditary; Hereditary neoplastic syndrome. Identifiers: Orphanet 140162, MedGen C0027672, MeSH D009386, MONDO:0015356.
Familial adenomatous polyposis 2. Also called: COLORECTAL ADENOMATOUS POLYPOSIS, AUTOSOMAL RECESSIVE; MYH-associated polyposis; FAP type 2; MUTYH-associated polyposis; MUTYH-related attenuated familial adenomatous polyposis; MUTYH Polyposis. Identifiers: Orphanet 220460, Orphanet 247798, MedGen C3272841, MONDO:0012041, OMIM 608456.

gnomAD v4.1: 4 of 1,614,176 alleles (0.00025%); highest among the groups gnomAD compares: Non-Finnish European, 0.00034%; no homozygotes.

Submissions (4):

Ambry Genetics
Classification: Pathogenic for Hereditary cancer-predisposing syndrome. Last evaluated: 2026-04-02. Review status: criteria provided, single submitter. Criteria: Ambry Variant Classification Scheme 2023. Collection method: clinical testing. Allele origin: germline.
Comment: The p.R182P pathogenic mutation (also known as c.545G>C), located in coding exon 7 of the MUTYH gene, results from a G to C substitution at nucleotide position 545. The arginine at codon 182 is replaced by proline, an amino acid with dissimilar properties. This variant has been identified in conjunction with other MUTYH variant(s) in individual(s) with features consistent with MUTYH-associated polyposis (Ambry internal data). In a massively parallel cell-based functional assay testing 7,8-dihydro-8-oxoguanine:adenine (8OG:A) repair activity, a byproduct of oxidative damage, this variant was reported to be non-functional (Hemker SL et al. Am J Hum Genet, 2025 Sep;112:2010-2026). Based on internal structural analysis, this variant is more disruptive than known pathogenic variants (Ambry internal data). A different alteration at this position, p.R182H, has been identified in trans in several individuals with MAP phenotypes and has been determined to be functionally deficient (Isidro et al. Hum Mutat 2004 Oct; 24(4):353-4; Di Gregorio et al. Gastroenterology 2006 Aug; 131(2):439-44; Aretz et al. Int J Cancer 2006 Aug 15;119(4): 807-14; Jones N et al. Gastroenterology. 2009 Aug;137(2):489-94, 494.e1; Morak M et al. Clin Genet. 2010 Oct;78(4):353-63; Goto et al. Hum Mutat 2010 Nov; 31(11):E1861-74; Komine K et al. Hum. Mutat., 2015 Jul;36:704-11). This variant is considered to be rare based on population cohorts in the Genome Aggregation Database (gnomAD). This amino acid position is highly conserved in available vertebrate species. In addition, this alteration is predicted to be deleterious by in silico analysis. Based on the supporting evidence, this variant is interpreted as a disease-causing mutation.

Labcorp Genetics (formerly Invitae), Labcorp
Classification: Uncertain significance for Familial adenomatous polyposis 2. Last evaluated: 2024-01-24. Review status: criteria provided, single submitter. Criteria: Invitae Variant Classification Sherloc (09022015). Collection method: clinical testing. Allele origin: germline.
Comment: This sequence change replaces arginine, which is basic and polar, with proline, which is neutral and non-polar, at codon 182 of the MUTYH protein (p.Arg182Pro). This variant is not present in population databases (gnomAD no frequency). This variant has not been reported in the literature in individuals affected with MUTYH-related conditions. ClinVar contains an entry for this variant (Variation ID: 651962). An algorithm developed to predict the effect of missense changes on protein structure and function (PolyPhen-2) suggests that this variant is likely to be disruptive. This variant disrupts the p.Arg182 amino acid residue in MUTYH. Other variant(s) that disrupt this residue have been determined to be pathogenic (PMID: 15366000, 16557584, 19032956, 19394335, 20618354). This suggests that this residue is clinically significant, and that variants that disrupt this residue are likely to be disease-causing. In summary, the available evidence is currently insufficient to determine the role of this variant in disease. Therefore, it has been classified as a Variant of Uncertain Significance.

All of Us Research Program, National Institutes of Health
Classification: Uncertain significance for Familial adenomatous polyposis 2. Last evaluated: 2023-12-18. Review status: criteria provided, single submitter. Criteria: ACMG Guidelines, 2015. Collection method: clinical testing. Allele origin: germline. Inheritance: Autosomal recessive inheritance. Observed: 1 variant allele, 1 heterozygote.
Comment: This missense variant replaces arginine with proline at codon 182 of the MUTYH protein. This variant is also known as c.503G>C (p.Arg168Pro) based on an alternative transcript, NM_001048171. Computational prediction suggests that this variant may have deleterious impact on protein structure and function (internally defined REVEL score threshold >= 0.7, PMID: 27666373). To our knowledge, functional studies have not been reported for this variant. However, two other missense variants at this codon have been reported as loss-of-function in mutation suppressive activity and in vitro glycosylase activity assays (PMID: 20848659, 23322991). This variant has not been reported in individuals affected with hereditary cancer in the literature. Two different missense variants at the same codon, p.Arg182Cys and p.Arg182His, are reported as disease-causing in ClinVar (variation ID: 182689, 187280). These two other missense variants have been reported in heterozygosity with a second pathogenic MUTYH variant in individuals affected with MUTYH-associated polyposis and/or colorectal cancer (PMID: 15366000, 16207212, 16557584, 16890597, 19394335, 20618354). This variant has been identified in 1/251468 chromosomes in the general population by the Genome Aggregation Database (gnomAD). The available evidence is insufficient to determine the role of this variant in disease conclusively. Therefore, this variant is classified as a Variant of Uncertain Significance.

This study involves interpretation of variants in research participants for the purpose of population health screening. Participant phenotype was not available at the time of variant classification. Additional details can be found in publication PMID: 35346344, PMCID: PMC8962531

ARUP Laboratories, Molecular Genetics and Genomics, ARUP Laboratories
Classification: Uncertain significance. Last evaluated: 2019-08-28. Review status: criteria provided, single submitter. Criteria: ARUP Molecular Germline Variant Investigation Process. Collection method: clinical testing. Allele origin: germline.
Comment: The MUTYH c.545G>C; p.Arg182Pro variant, to our knowledge, is not reported in the medical literature but is reported in ClinVar (Variation ID: 651962). This variant is only observed on one allele in the Genome Aggregation Database, indicating it is not a common polymorphism. The arginine at codon 182 is highly conserved, and computational analyses (SIFT, PolyPhen-2) predict that this variant is deleterious. Additionally, other variants at this codon (His, Cys, Gly) have been reported in individuals with MUTYH-associated polyposis, and the p.Arg182His variant, also known as R154H (NM_001048174) and R168H (NM_001048171), is considered pathogenic (Aretz 2006, Isidro 2004, Morak 2010, Tricarico 2011). However, given the lack of clinical and functional data, the significance of the p.Arg182Pro variant is uncertain at this time. References: Aretz S et al. MUTYH-associated polyposis: 70 of 71 patients with biallelic mutations present with an attenuated or atypical phenotype. Int J Cancer. 2006 Aug 15;119(4):807-14. Isidro G et al. Germline MUTYH (MYH) mutations in Portuguese individuals with multiple colorectal adenomas. Hum Mutat. 2004 Oct;24(4):353-4. Morak M et al. MUTYH-associated polyposis - variability of the clinical phenotype in patients with biallelic and monoallelic MUTYH mutations and report on novel mutations. Clin Genet. 2010 Oct;78(4):353-63. Tricarico R et al. High resolution melting analysis for a rapid identification of heterozygous and homozygous sequence changes in the MUTYH gene. BMC Cancer. 2011 Jul 21;11:305.

Literature cited by the submitters: PubMed 40738107 (cited by Ambry Genetics); PubMed 15366000 (cited by Labcorp Genetics (formerly Invitae), Labcorp and All of Us Research Program, National Institutes of Health); PubMed 16557584 (cited by Labcorp Genetics (formerly Invitae), Labcorp and All of Us Research Program, National Institutes of Health); PubMed 19032956 (cited by Labcorp Genetics (formerly Invitae), Labcorp); PubMed 19394335 (cited by Labcorp Genetics (formerly Invitae), Labcorp and All of Us Research Program, National Institutes of Health); PubMed 20618354 (cited by Labcorp Genetics (formerly Invitae), Labcorp and All of Us Research Program, National Institutes of Health); PubMed 16207212 (cited by All of Us Research Program, National Institutes of Health); PubMed 16890597 (cited by All of Us Research Program, National Institutes of Health); PubMed 20848659 (cited by All of Us Research Program, National Institutes of Health); PubMed 23322991 (cited by All of Us Research Program, National Institutes of Health).